The following is an entry in ClinVar:

ClinVar aggregate classification (germline): Likely pathogenic (1 of 4 stars; one submission).

Conditions:
Bartter syndrome. Identifiers: Orphanet 112, MedGen C0004775, MONDO:0015231.

Submission:

Women's Health and Genetics/Laboratory Corporation of America, LabCorp
Classification: Likely pathogenic for Bartter syndrome. Last evaluated: 2025-12-09. Review status: criteria provided, single submitter. Criteria: LabCorp Variant Classification Summary - May 2015. Collection method: clinical testing. Allele origin: germline.
Comment: Variant summary: SLC12A1 c.2485+2T>C is located in a canonical splice-site and is predicted to affect mRNA splicing resulting in a significantly altered protein due to either exon skipping, shortening, or inclusion of intronic material. Variants that disrupt the consensus splice site are a relatively common cause of aberrant splicing and loss of SLC12A1 function. Several computational tools predict a significant impact on normal splicing: Three predict the variant abolishes a 5' splicing donor site. One predict the variant no significant impact on splicing. However, these predictions have yet to be confirmed by functional studies. The variant was absent in 249166 control chromosomes. To our knowledge, no occurrence of c.2485+2T>C in individuals affected with SLC12A1-related conditions and no experimental evidence demonstrating its impact on protein function have been reported. No submitters have cited clinical-significance assessments for this variant to ClinVar. Based on the evidence outlined above, the variant was classified as likely pathogenic.

NM_000338.3(SLC12A1):c.2485+2T>C

Gene: SLC12A1 (solute carrier family 12 member 1; plus strand). Cytogenetic location: 15q21.1.
Variant type: single nucleotide variant.
Coding change: c.2485+2T>C on transcript NM_000338.3 (MANE Select); the canonical splice donor site of the intron after coding-DNA position 2485, T replaced by C.
Molecular consequence: splice donor variant.
Genome position (GRCh38, 1-based): chr15:48,274,655, T>C. VCF-style: chr15-48274655-T-C. GRCh37 (hg19) VCF-style: chr15-48566852-T-C.
Other names: c.2485+2T>C (NM_001384136.1, NM_001184832.2).
Identifiers: ClinVar variation 4688485 (VCV004688485.1).